The following is an entry in ClinVar:

NM_001846.4(COL4A2):c.1898G>A (p.Gly633Asp)

Gene: COL4A2 (collagen type IV alpha 2 chain; plus strand). Cytogenetic location: 13q34.
Variant type: single nucleotide variant.
Coding change: c.1898G>A on transcript NM_001846.4 (MANE Select); coding-DNA position 1898, G replaced by A.
Protein change: p.Gly633Asp; replaces glycine 633 with aspartic acid.
Molecular consequence: missense variant.
Genome position (GRCh38, 1-based): chr13:110,465,526, G>A. VCF-style: chr13-110465526-G-A. GRCh37 (hg19) VCF-style: chr13-111117873-G-A.
Other names: short protein forms G633D.
Identifiers: ClinVar variation 390429 (VCV000390429.8), dbSNP rs1057523764, ClinGen allele CA16606748.

ClinVar aggregate classification (germline): Conflicting classifications of pathogenicity. Review status: criteria provided, conflicting classifications (1 of 4 stars). 2 submissions from 2 submitters: Likely pathogenic (1); Uncertain significance (1). Last evaluated 2022-10-04.

Submissions (2):

Labcorp Genetics (formerly Invitae), Labcorp
Classification: Uncertain significance. Last evaluated: 2022-10-04. Review status: criteria provided, single submitter. Criteria: Invitae Variant Classification Sherloc (09022015). Collection method: clinical testing. Allele origin: germline.
Comment: In summary, the available evidence is currently insufficient to determine the role of this variant in disease. Therefore, it has been classified as a Variant of Uncertain Significance. Advanced modeling of protein sequence and biophysical properties (such as structural, functional, and spatial information, amino acid conservation, physicochemical variation, residue mobility, and thermodynamic stability) has been performed at Invitae for this missense variant, however the output from this modeling did not meet the statistical confidence thresholds required to predict the impact of this variant on COL4A2 protein function. ClinVar contains an entry for this variant (Variation ID: 390429). This variant has not been reported in the literature in individuals affected with COL4A2-related conditions. This variant is not present in population databases (gnomAD no frequency). This sequence change replaces glycine, which is neutral and non-polar, with aspartic acid, which is acidic and polar, at codon 633 of the COL4A2 protein (p.Gly633Asp).

GeneDx
Classification: Likely pathogenic. Last evaluated: 2016-10-24. Review status: criteria provided, single submitter. Criteria: GeneDx Variant Classification (06012015). Collection method: clinical testing. Allele origin: germline. Affected: yes.
Comment: The G633D variant in the COL4A2 gene has not been reported previously as a pathogenic variant, nor as a benign variant, to our knowledge. The G633D variant was not observed in approximately 5900 individuals of European and African American ancestry in the NHLBI Exome Sequencing Project, indicating it is not a common benign variant in these populations. The G633D variant is a non-conservative amino acid substitution, which is likely to impact secondary protein structure as these residues differ in polarity, charge, size and/or other properties. This substitution occurs at a position that is conserved across species and in silico analysis predicts this variant is probably damaging to the protein structure/function. The G633D variant is a strong candidate for a pathogenic variant